The following is an entry in ClinVar:

NM_145207.3(AFG2A):c.1621C>T (p.Pro541Ser)

Gene: AFG2A (AFG2 AAA ATPase homolog A; plus strand). Cytogenetic location: 4q28.1.
Variant type: single nucleotide variant.
Coding change: c.1621C>T on transcript NM_145207.3 (MANE Select); coding-DNA position 1621, C replaced by T.
Protein change: p.Pro541Ser; replaces proline 541 with serine.
Molecular consequence: missense variant.
Genome position (GRCh38, 1-based): chr4:122,947,395, C>T. VCF-style: chr4-122947395-C-T. GRCh37 (hg19) VCF-style: chr4-123868550-C-T.
Other names: c.1618C>T, p.Pro540Ser (NM_001317799.2, NM_001345856.2); short protein forms P540S, P541S.
Identifiers: ClinVar variation 841143 (VCV000841143.4), dbSNP rs201404410, ClinGen allele CA3070497.
Genomic context (GRCh38, chr4:122,947,395, plus strand): 5'-ATTGGAGTTCCCAATGCTCAGGACCGGCTAGATATTCTCCAGAAACTGCTTCGAAGGGTA[C>T]CCCATTTGCTCACTGAGGCTGAGCTGCTGCAGCTGGCAAATAGTGCTCATGGATACGTTG-3'
Protein context (NP_660208.2, residues 531-551): DILQKLLRRV[Pro541Ser]HLLTEAELLQ

ClinVar aggregate classification (germline): Uncertain significance (1 of 4 stars; one submission).

Conditions:
Microcephaly-intellectual disability-sensorineural hearing loss-epilepsy-abnormal muscle tone syndrome (NEDHSB). Also called: NEURODEVELOPMENTAL DISORDER WITH HEARING LOSS, SEIZURES, AND BRAIN ABNORMALITIES. Identifiers: Orphanet 457351, MedGen C4225276, MONDO:0014698, OMIM 616577.

Allele frequency attached by ClinVar (database versions not stated): gnomAD exomes below 0.00001 and 0.00001; gnomAD 0.00001 and 0.00002; ExAC 0.00002; TOPMed 0.00003; ESP Exome Variant Server 0.00008; 1000 Genomes Project 30x 0.00016; 1000 Genomes Project 0.00020.
gnomAD v4.1: 19 of 1,614,056 alleles (0.0012%); highest among the groups gnomAD compares: African/African-American, 0.013%; no homozygotes.

Submission:

Labcorp Genetics (formerly Invitae), Labcorp
Classification: Uncertain significance for Microcephaly-intellectual disability-sensorineural hearing loss-epilepsy-abnormal muscle tone syndrome. Last evaluated: 2022-06-13. Review status: criteria provided, single submitter. Criteria: Invitae Variant Classification Sherloc (09022015). Collection method: clinical testing. Allele origin: germline.
Comment: This sequence change replaces proline, which is neutral and non-polar, with serine, which is neutral and polar, at codon 541 of the SPATA5 protein (p.Pro541Ser). This variant is present in population databases (rs201404410, gnomAD 0.01%). This variant has not been reported in the literature in individuals affected with SPATA5-related conditions. ClinVar contains an entry for this variant (Variation ID: 841143). Algorithms developed to predict the effect of missense changes on protein structure and function (SIFT, PolyPhen-2, Align-GVGD) all suggest that this variant is likely to be disruptive. In summary, the available evidence is currently insufficient to determine the role of this variant in disease. Therefore, it has been classified as a Variant of Uncertain Significance.